The following is an entry in ClinVar:

ClinVar aggregate classification (germline): Benign. Review status: criteria provided, multiple submitters, no conflicts (2 of 4 stars). 3 submissions from 3 submitters: Benign (3). Last evaluated 2026-02-04.

Conditions:
Combined immunodeficiency due to ORAI1 deficiency. Also called: IMMUNODEFICIENCY 9. Identifiers: Orphanet 169090, Orphanet 317428, MedGen C2748568, MONDO:0013007, OMIM 612782.
Myopathy, tubular aggregate, 2 (TAM2). Identifiers: MedGen C4014557, MONDO:0014383, OMIM 615883.

Allele frequency attached by ClinVar (database versions not stated): gnomAD exomes 0.01216 and 0.01664; ExAC 0.01813; ESP Exome Variant Server 0.02829; gnomAD 0.02969 and 0.02989; TOPMed 0.03175; 1000 Genomes Project 30x 0.04591; 1000 Genomes Project 0.04772.

Submissions (3):

Labcorp Genetics (formerly Invitae), Labcorp
Classification: Benign for Myopathy, tubular aggregate, 2; Combined immunodeficiency due to ORAI1 deficiency. Last evaluated: 2026-02-04. Review status: criteria provided, single submitter. Criteria: Invitae Variant Classification Sherloc (09022015). Collection method: clinical testing. Allele origin: germline.

GeneDx
Classification: Benign. Last evaluated: 2016-05-13. Review status: criteria provided, single submitter. Criteria: GeneDx Variant Classification (06012015). Collection method: clinical testing. Allele origin: germline. Affected: yes.
Comment: This variant is considered likely benign or benign based on one or more of the following criteria: it is a conservative change, it occurs at a poorly conserved position in the protein, it is predicted to be benign by multiple in silico algorithms, and/or has population frequency not consistent with disease.

Breakthrough Genomics
Classification: Benign. Review status: criteria provided, single submitter. Criteria: ACMG Guidelines, 2015. Collection method: not provided. Allele origin: germline. Inheritance: Autosomal recessive inheritance. Affected: yes.

NM_032790.4(ORAI1):c.786T>C (p.Val262=)

Gene: ORAI1 (ORAI calcium release-activated calcium modulator 1; plus strand). Cytogenetic location: 12q24.31.
Variant type: single nucleotide variant.
Coding change: c.786T>C on transcript NM_032790.4 (MANE Select); coding-DNA position 786, T replaced by C.
Protein change: p.Val262=; no amino-acid change (valine 262 retained).
Genome position (GRCh38, 1-based): chr12:121,641,523, T>C. VCF-style: chr12-121641523-T-C. GRCh37 (hg19) VCF-style: chr12-122079429-T-C.
Identifiers: ClinVar variation 379438 (VCV000379438.12), dbSNP rs3825174, ClinGen allele CA6837571.